The following is an entry in ClinVar:

NM_001375765.1(GIGYF1):c.331del (p.Leu111fs)

Gene: GIGYF1 (GRB10 interacting GYF protein 1; minus strand). Cytogenetic location: 7q22.1.
Variant type: Deletion.
Coding change: c.331del on transcript NM_001375765.1 (MANE Select); coding-DNA position 331, one base deleted (C; older notation c.331delC).
Protein change: p.Leu111fs; shifts the reading frame from leucine 111.
Molecular consequence: frameshift variant. On other transcripts: non-coding transcript variant (1).
Genome position (GRCh38, 1-based): chr7:100,687,547, G deleted on the plus strand (C on the coding strand, the reverse complement: GIGYF1 is on the minus strand); the first of 8 consecutive G bases (chr7:100,687,547-100,687,554); deleting any one gives the same sequence. VCF-style (leftmost placement, unchanged base first): chr7-100687546-AG-A. GRCh37 (hg19) VCF-style: chr7-100285169-AG-A.
Other names: c.331del, p.Leu111fs (NM_001375759.1, NM_001375760.1, NM_001375761.1 and 6 more transcripts); short protein forms L111fs.
Identifiers: ClinVar variation 4532044 (VCV004532044.1).

ClinVar aggregate classification (germline): Pathogenic (1 of 4 stars; one submission).

Conditions:
Autism spectrum disorder. Also called: Autism spectrum disorders. Identifiers: MedGen C1510586, MeSH D000067877, MONDO:0005258.

Submission:

Victorian Clinical Genetics Services, Murdoch Childrens Research Institute
Classification: Pathogenic for Autism spectrum disorder. Last evaluated: 2024-11-12. Review status: criteria provided, single submitter. Criteria: ACMG Guidelines, 2015. Collection method: clinical testing. Allele origin: germline. Affected: yes.
Comment: This variant is classified as Pathogenic. Evidence in support of pathogenic classification: Variant is predicted to cause nonsense-mediated decay (NMD) and loss of protein (premature termination codon is located at least 54 nucleotides upstream of the final exon-exon junction); Variant is present in gnomAD <0.001 for a dominant condition (v4: 3 heterozygote(s), 0 homozygote(s)); Other NMD-predicted variant(s) comparable to the one identified in this case have very strong previous evidence for pathogenicity (DECIPHER, PMID: 35917186). Additional information: This variant is heterozygous; This gene is associated with autosomal dominant disease; This variant has no previous evidence of pathogenicity; Loss of function is a known mechanism of disease in this gene and is associated with autism spectrum disorder (MONDO:0005258), GIGYF1-related; The condition associated with this gene has incomplete penetrance. A pathogenic variant in this gene has been reported to be inherited from unaffected parents in several families (PMID: 35917186).

Literature cited by the submitters: PubMed 35917186.